The following is an entry in ClinVar:

ClinVar aggregate classification (germline): Uncertain significance (1 of 4 stars; one submission).

Allele frequency attached by ClinVar (database versions not stated): gnomAD 0.00002; TOPMed 0.00002; ExAC 0.00004; gnomAD exomes 0.00004 and 0.00007; ESP Exome Variant Server 0.00008.
gnomAD v4.1: 100 of 1,609,884 alleles (0.0062%); highest among the groups gnomAD compares: Non-Finnish European, 0.0081%; no homozygotes.

Submission:

Labcorp Genetics (formerly Invitae), Labcorp
Classification: Uncertain significance. Last evaluated: 2022-01-13. Review status: criteria provided, single submitter. Criteria: Invitae Variant Classification Sherloc (09022015). Collection method: clinical testing. Allele origin: germline.
Comment: This sequence change replaces glutamic acid, which is acidic and polar, with lysine, which is basic and polar, at codon 85 of the ACE protein (p.Glu85Lys). This variant is present in population databases (rs150382846, gnomAD 0.009%). In summary, the available evidence is currently insufficient to determine the role of this variant in disease. Therefore, it has been classified as a Variant of Uncertain Significance. Algorithms developed to predict the effect of missense changes on protein structure and function output the following: SIFT: "Tolerated"; PolyPhen-2: "Benign"; Align-GVGD: "Class C0". The lysine amino acid residue is found in multiple mammalian species, which suggests that this missense change does not adversely affect protein function. This variant has not been reported in the literature in individuals affected with ACE-related conditions.

NM_000789.4(ACE):c.253G>A (p.Glu85Lys)

Gene: ACE (angiotensin I converting enzyme; plus strand). Cytogenetic location: 17q23.3.
Variant type: single nucleotide variant.
Coding change: c.253G>A on transcript NM_000789.4 (MANE Select); coding-DNA position 253, G replaced by A.
Protein change: p.Glu85Lys; replaces glutamic acid 85 with lysine.
Molecular consequence: missense variant. On other transcripts: synonymous variant (1), 5 prime UTR variant (1).
Genome position (GRCh38, 1-based): chr17:63,477,934, G>A. VCF-style: chr17-63477934-G-A. GRCh37 (hg19) VCF-style: chr17-61555295-G-A.
Other names: c.18G>A, p.Arg6= (NM_001382700.1); c.-362G>A (NM_001382701.1); short protein forms E85K.
Identifiers: ClinVar variation 1359925 (VCV001359925.6), dbSNP rs150382846, ClinGen allele CA8699008.
Genomic context (GRCh38, chr17:63,477,934, plus strand): 5'-TATGGCCTGCATCTAAGCAGGGTCCTACACCCTCCCTGCCCTCCTGGTGCCCAATAGGAG[G>A]AAGCAGCCCTGCTCAGCCAGGAGTTTGCGGAGGCCTGGGGCCAGAAGGCCAAGGAGCTGT-3'
Protein context (NP_000780.1, residues 75-95): ITAENARRQE[Glu85Lys]AALLSQEFAE